The following is an entry in ClinVar:

ClinVar aggregate classification (germline): Uncertain significance (1 of 4 stars; one submission).

Conditions:
Cardiovascular phenotype. Identifiers: MedGen CN230736.

Allele frequency attached by ClinVar (database versions not stated): gnomAD 0.00001.
gnomAD v4.1: 4 of 1,613,866 alleles (0.00025%); highest among the groups gnomAD compares: Non-Finnish European, 0.00034%; no homozygotes.

Submission:

Ambry Genetics
Classification: Uncertain significance for Cardiovascular phenotype. Last evaluated: 2023-11-26. Review status: criteria provided, single submitter. Criteria: Ambry Variant Classification Scheme 2023. Collection method: clinical testing. Allele origin: germline.
Comment: The p.N358K variant (also known as c.1074C>G), located in coding exon 5 of the ALPK3 gene, results from a C to G substitution at nucleotide position 1074. The asparagine at codon 358 is replaced by lysine, an amino acid with similar properties. This amino acid position is conserved. In addition, the in silico prediction for this alteration is inconclusive. Since supporting evidence is limited at this time, the clinical significance of this alteration remains unclear.

NM_020778.5(ALPK3):c.468C>G (p.Asn156Lys)

Gene: ALPK3 (alpha kinase 3; plus strand). Cytogenetic location: 15q25.3.
Variant type: single nucleotide variant.
Coding change: c.468C>G on transcript NM_020778.5 (MANE Select); coding-DNA position 468, C replaced by G.
Protein change: p.Asn156Lys; replaces asparagine 156 with lysine.
Molecular consequence: missense variant.
Genome position (GRCh38, 1-based): chr15:84,839,747, C>G. VCF-style: chr15-84839747-C-G. GRCh37 (hg19) VCF-style: chr15-85382978-C-G.
Other names: short protein forms N156K.
Identifiers: ClinVar variation 3227438 (VCV003227438.1), dbSNP rs1567089409, ClinGen allele CA393372539.